The following is an entry in ClinVar:

NM_002439.5(MSH3):c.1555C>T (p.Leu519Phe)

Gene: MSH3 (mutS homolog 3; plus strand). Cytogenetic location: 5q14.1.
Variant type: single nucleotide variant.
Coding change: c.1555C>T on transcript NM_002439.5 (MANE Select); coding-DNA position 1555, C replaced by T.
Protein change: p.Leu519Phe; replaces leucine 519 with phenylalanine.
Molecular consequence: missense variant.
Genome position (GRCh38, 1-based): chr5:80,728,952, C>T. VCF-style: chr5-80728952-C-T. GRCh37 (hg19) VCF-style: chr5-80024771-C-T.
Other names: short protein forms L519F.
Identifiers: ClinVar variation 1775143 (VCV001775143.8), dbSNP rs2112857966, ClinGen allele CA360274364.

ClinVar aggregate classification (germline): Uncertain significance. Review status: criteria provided, multiple submitters, no conflicts (2 of 4 stars). 2 submissions from 2 submitters: Uncertain significance (2). Last evaluated 2025-07-21.

Conditions:
Hereditary cancer-predisposing syndrome. Also called: Hereditary Cancer Syndrome; Hereditary neoplastic syndrome; Neoplastic Syndromes, Hereditary; Tumor predisposition. Identifiers: Orphanet 140162, MedGen C0027672, MeSH D009386, MONDO:0015356.

Allele frequency attached by ClinVar (database versions not stated): gnomAD exomes below 0.00001.

Submissions (2):

Labcorp Genetics (formerly Invitae), Labcorp
Classification: Uncertain significance. Last evaluated: 2025-07-21. Review status: criteria provided, single submitter. Criteria: Invitae Variant Classification Sherloc (09022015). Collection method: clinical testing. Allele origin: germline.
Comment: This sequence change replaces leucine, which is neutral and non-polar, with phenylalanine, which is neutral and non-polar, at codon 519 of the MSH3 protein (p.Leu519Phe). This variant is not present in population databases (gnomAD no frequency). This variant has not been reported in the literature in individuals affected with MSH3-related conditions. ClinVar contains an entry for this variant (Variation ID: 1775143). An algorithm developed to predict the effect of missense changes on protein structure and function outputs the following: PolyPhen-2: "Possibly Damaging". The phenylalanine amino acid residue is found in multiple mammalian species, which suggests that this missense change does not adversely affect protein function. In summary, the available evidence is currently insufficient to determine the role of this variant in disease. Therefore, it has been classified as a Variant of Uncertain Significance.

Ambry Genetics
Classification: Uncertain significance for Hereditary cancer-predisposing syndrome. Last evaluated: 2024-09-01. Review status: criteria provided, single submitter. Criteria: Ambry Variant Classification Scheme 2023. Collection method: clinical testing. Allele origin: germline.
Comment: The p.L519F variant (also known as c.1555C>T), located in coding exon 10 of the MSH3 gene, results from a C to T substitution at nucleotide position 1555. The leucine at codon 519 is replaced by phenylalanine, an amino acid with highly similar properties. This amino acid position is highly conserved in available vertebrate species. In addition, the in silico prediction for this alteration is inconclusive. Since supporting evidence is limited at this time, the clinical significance of this alteration remains unclear.